The following is an entry in ClinVar:

NM_001277115.2(DNAH11):c.13199C>T (p.Pro4400Leu)

Gene: DNAH11 (dynein axonemal heavy chain 11; plus strand). Cytogenetic location: 7p15.3.
Variant type: single nucleotide variant.
Coding change: c.13199C>T on transcript NM_001277115.2 (MANE Select); coding-DNA position 13199, C replaced by T.
Protein change: p.Pro4400Leu; replaces proline 4400 with leucine.
Molecular consequence: missense variant.
Genome position (GRCh38, 1-based): chr7:21,900,016, C>T. VCF-style: chr7-21900016-C-T. GRCh37 (hg19) VCF-style: chr7-21939634-C-T.
Other names: short protein forms P4400L.
Identifiers: ClinVar variation 1415618 (VCV001415618.4), dbSNP rs2128052334, ClinGen allele CA366955728.

ClinVar aggregate classification (germline): Uncertain significance (1 of 4 stars; one submission).

Conditions:
Primary ciliary dyskinesia. Also called: Ciliary dyskinesia. Identifiers: Orphanet 244, MedGen C0008780, MONDO:0016575, HP:0012265.

Allele frequency attached by ClinVar (database versions not stated): gnomAD exomes below 0.00001.
gnomAD v4.1: 2 of 1,613,830 alleles (0.00012%); highest among the groups gnomAD compares: Non-Finnish European, 0.00017%; no homozygotes.

Submission:

Labcorp Genetics (formerly Invitae), Labcorp
Classification: Uncertain significance for Primary ciliary dyskinesia. Last evaluated: 2021-10-08. Review status: criteria provided, single submitter. Criteria: Invitae Variant Classification Sherloc (09022015). Collection method: clinical testing. Allele origin: germline.
Comment: In summary, the available evidence is currently insufficient to determine the role of this variant in disease. Therefore, it has been classified as a Variant of Uncertain Significance. This sequence change replaces proline with leucine at codon 4400 of the DNAH11 protein (p.Pro4400Leu). The proline residue is moderately conserved and there is a moderate physicochemical difference between proline and leucine. Advanced modeling of protein sequence and biophysical properties (such as structural, functional, and spatial information, amino acid conservation, physicochemical variation, residue mobility, and thermodynamic stability) performed at Invitae indicates that this missense variant is not expected to disrupt DNAH11 protein function. This variant has not been reported in the literature in individuals affected with DNAH11-related conditions. This variant is not present in population databases (ExAC no frequency).